The following is an entry in ClinVar:

NM_000152.5(GAA):c.2834_2835del (p.Glu945fs)

Gene: GAA (alpha glucosidase; plus strand). Cytogenetic location: 17q25.3.
Variant type: Microsatellite.
Coding change: c.2834_2835del on transcript NM_000152.5 (MANE Select); coding-DNA positions 2834 to 2835, 2 bases deleted (AG; older notation c.2834_2835delAG).
Protein change: p.Glu945fs; shifts the reading frame from glutamic acid 945.
Molecular consequence: frameshift variant.
Genome position (GRCh38, 1-based): chr17:80,119,306-80,119,307, AG deleted; deleting any 2 consecutive bases within chr17:80,119,303-80,119,307 gives the same sequence; the c. name uses the placement nearest the transcript's 3' end. VCF-style (leftmost placement, unchanged base first): chr17-80119302-GGA-G. GRCh37 (hg19) VCF-style: chr17-78093101-GGA-G.
Other names: p.Glu945Alafs*72; c.2834_2835del, p.Glu945fs (NM_001079803.3, NM_001079804.3, NM_001406741.1 and 1 more transcripts); short protein forms E945fs.
Identifiers: ClinVar variation 2687884 (VCV002687884.2), dbSNP rs2510407224, ClinGen allele CA2640292822.
Genomic context (GRCh38, chr17:80,119,302, plus strand): 5'-GCTGCTCCATTTGTGCTCTCTCTTTTCCAGGTCCTGGACATCTGTGTCTCGCTGTTGATG[GGA>G]GAGCAGTTTCTCGTCAGCTGGTGTTAGCCGGGCGGAGTGTGTTAGTCTCTCCAGAGGGAG-3'

ClinVar aggregate classification (germline): Pathogenic (1 of 4 stars; one submission).

Conditions:
Glycogen storage disease, type II (IOPD). Also called: Glucosidase acid-1,4-alpha deficiency; Glycogen storage disease type 2; Acid maltase deficiency disease; Pompe Disease; GLYCOGENOSIS, GENERALIZED, CARDIAC FORM; GSD II. Identifiers: Orphanet 365, MedGen C0017921, MONDO:0009290, OMIM 232300.

Submission:

Foundation for Research in Genetics and Endocrinology, FRIGE's Institute of Human Genetics
Classification: Pathogenic for Glycogen storage disease, type II. Last evaluated: 2024-01-25. Review status: criteria provided, single submitter. Criteria: ACMG Guidelines, 2015. Collection method: clinical testing. Allele origin: germline. Inheritance: Autosomal recessive inheritance. Affected: yes. Observed: 1 homozygote.
Comment: A homozygous 2 base pair deletion in exon 20 of the GAA gene that results in a frameshift and premature truncation of the protein 72 amino acids downstream to codon 945 was detected. The observed variant c.2834_2835 del (p.Glu945Alafs*72) has not been reported in the gnomAD database. The in silico prediction of the variant is damaging by MutationTaster2. In summary, the variant meets our criteria to be classified as pathogenic.